The following is an entry in ClinVar:

ClinVar aggregate classification (germline): Uncertain significance. Review status: criteria provided, multiple submitters, no conflicts (2 of 4 stars). 5 submissions from 5 submitters: Uncertain significance (5). Last evaluated 2024-11-30.

Conditions:
GJB3-related disorder. Also called: GJB3-related condition.
Erythrokeratodermia variabilis. Also called: ERYTHROKERATODERMIA VARIABILIS ET PROGRESSIVA. Identifiers: Orphanet 316, Orphanet 317, MedGen C0265961, MONDO:0017851.
Autosomal dominant nonsyndromic hearing loss 2B. Also called: DEAFNESS, AUTOSOMAL DOMINANT, WITH OR WITHOUT PERIPHERAL NEUROPATHY. Identifiers: Orphanet 90635, MedGen C2675236, MONDO:0012976, OMIM 612644.
Autosomal recessive nonsyndromic hearing loss 1A (DFNB1A). Also called: GJB6-Related DFNB 1 Nonsyndromic Hearing Loss and Deafness; Deafness, autosomal recessive 1A; GJB2-Related Autosomal Recessive Nonsyndromic Hearing Loss; Nonsyndromic Hearing Loss and Deafness, DFNB1; Connexin 26 deafness; Deafness nonsyndromic, Connexin 26 linked. Identifiers: Orphanet 90636, MedGen C2673759, MONDO:0009076, OMIM 220290.
Erythrokeratodermia variabilis et progressiva 1 (EKVP1). Also called: ERYTHROKERATODERMIA FIGURATA, CONGENITAL FAMILIAL, IN PLAQUES; ERYTHROKERATODERMIA VARIABILIS WITH ERYTHEMA GYRATUM REPENS; ERYTHROKERATODERMIA, PROGRESSIVE SYMMETRIC. Identifiers: Orphanet 317, MedGen C4551486, MONDO:0033010, OMIM 133200.

Submissions (5):

Labcorp Genetics (formerly Invitae), Labcorp
Classification: Uncertain significance. Last evaluated: 2024-11-30. Review status: criteria provided, single submitter. Criteria: Invitae Variant Classification Sherloc (09022015). Collection method: clinical testing. Allele origin: germline.
Comment: This sequence change creates a premature translational stop signal (p.Lys115Serfs*153) in the GJB3 gene. While this is not anticipated to result in nonsense mediated decay, it is expected to disrupt the last 156 amino acid(s) of the GJB3 protein. This variant is present in population databases (rs748575478, gnomAD 0.01%). This variant has not been reported in the literature in individuals affected with GJB3-related conditions. ClinVar contains an entry for this variant (Variation ID: 806107). In summary, the available evidence is currently insufficient to determine the role of this variant in disease. Therefore, it has been classified as a Variant of Uncertain Significance.

PreventionGenetics, part of Exact Sciences
Classification: Uncertain significance for GJB3-related condition. Last evaluated: 2024-11-20. Review status: criteria provided, single submitter. Criteria: ACMG Guidelines, 2015. Collection method: clinical testing. Allele origin: germline.
Comment: The GJB3 c.342delC variant is predicted to result in a frameshift and premature protein termination (p.Lys115Serfs*153). To our knowledge, this variant has not been reported in the literature. This variant is reported in 0.013% of alleles in individuals of South Asian descent in gnomAD. Although this variant leads to frameshift, it is not predicted to undergo nonsense mediated decay and it is affecting the last 156 amino acids of the protein. At this time, the clinical significance of this variant is uncertain due to the absence of conclusive functional and genetic evidence.

Department of Pathology and Laboratory Medicine, Sinai Health System
Classification: Uncertain significance for erythrokeratodermia variabilis. Last evaluated: 2022-01-17. Review status: criteria provided, single submitter. Criteria: ACMG Guidelines, 2015. Collection method: research. Allele origin: germline.

Fulgent Genetics
Classification: Uncertain significance for Erythrokeratodermia variabilis et progressiva 1; Autosomal recessive nonsyndromic hearing loss 1A; Autosomal dominant nonsyndromic hearing loss 2B. Last evaluated: 2022-01-12. Review status: criteria provided, single submitter. Criteria: ACMG Guidelines, 2015. Collection method: clinical testing. Allele origin: unknown.

CeGaT Center for Human Genetics Tuebingen
Classification: Uncertain significance. Last evaluated: 2017-08-01. Review status: criteria provided, single submitter. Criteria: CeGaT Center For Human Genetics Tuebingen Variant Classification Criteria Version 2. Collection method: clinical testing. Allele origin: germline. Affected: yes. Observed: 1 variant allele.

NM_024009.3(GJB3):c.342del (p.Lys115fs)

Gene: GJB3 (gap junction protein beta 3; plus strand). Cytogenetic location: 1p34.3.
Variant type: Deletion.
Coding change: c.342del on transcript NM_024009.3 (MANE Select); coding-DNA position 342, one base deleted (C; older notation c.342delC).
Protein change: p.Lys115fs; shifts the reading frame from lysine 115.
Molecular consequence: frameshift variant.
Genome position (GRCh38, 1-based): chr1:34,785,104, C deleted; the last of 2 consecutive C bases (chr1:34,785,103-34,785,104); deleting either gives the same sequence. VCF-style (leftmost placement, unchanged base first): chr1-34785102-GC-G. GRCh37 (hg19) VCF-style: chr1-35250703-GC-G.
Other names: c.342delC (NM_024009.2); c.342del, p.Lys115fs (NM_001005752.2); short protein forms K115fs.
Identifiers: ClinVar variation 806107 (VCV000806107.49), dbSNP rs748575478, ClinGen allele CA754816.